The following is an entry in ClinVar:

ClinVar aggregate classification (germline): Uncertain significance. Review status: criteria provided, multiple submitters, no conflicts (2 of 4 stars). 2 submissions from 2 submitters: Uncertain significance (2). Last evaluated 2025-11-30.

Conditions:
Charcot-Marie-Tooth disease type 2. Also called: Charcot-Marie-Tooth type 2. Identifiers: Orphanet 64746, MedGen C0270914, MONDO:0018993.

Allele frequency attached by ClinVar (database versions not stated): gnomAD exomes 0.00001.
gnomAD v4.1: 3 of 1,614,180 alleles (0.00019%); highest among the groups gnomAD compares: Non-Finnish European, 0.00025%; no homozygotes.

Submissions (2):

Ambry Genetics
Classification: Uncertain significance. Last evaluated: 2025-11-30. Review status: criteria provided, single submitter. Criteria: Ambry Variant Classification Scheme 2023. Collection method: clinical testing. Allele origin: germline.
Comment: The p.F1685S variant (also known as c.5054T>C), located in coding exon 44 of the KIF1B gene, results from a T to C substitution at nucleotide position 5054. The phenylalanine at codon 1685 is replaced by serine, an amino acid with highly dissimilar properties. This amino acid position is conserved. In addition, the in silico prediction for this alteration is inconclusive. Since supporting evidence is limited at this time, the clinical significance of this alteration remains unclear.

Labcorp Genetics (formerly Invitae), Labcorp
Classification: Uncertain significance for Charcot-Marie-Tooth disease type 2. Last evaluated: 2024-09-14. Review status: criteria provided, single submitter. Criteria: Invitae Variant Classification Sherloc (09022015). Collection method: clinical testing. Allele origin: germline.
Comment: This sequence change replaces phenylalanine, which is neutral and non-polar, with serine, which is neutral and polar, at codon 1685 of the KIF1B protein (p.Phe1685Ser). This variant is present in population databases (no rsID available, gnomAD 0.0009%). This variant has not been reported in the literature in individuals affected with KIF1B-related conditions. ClinVar contains an entry for this variant (Variation ID: 1745059). An algorithm developed to predict the effect of missense changes on protein structure and function (PolyPhen-2) suggests that this variant is likely to be tolerated. In summary, the available evidence is currently insufficient to determine the role of this variant in disease. Therefore, it has been classified as a Variant of Uncertain Significance.

NM_001365951.3(KIF1B):c.5192T>C (p.Phe1731Ser)

Gene: KIF1B (kinesin family member 1B; plus strand). Cytogenetic location: 1p36.22.
Variant type: single nucleotide variant.
Coding change: c.5192T>C on transcript NM_001365951.3 (MANE Select); coding-DNA position 5192, T replaced by C.
Protein change: p.Phe1731Ser; replaces phenylalanine 1731 with serine.
Molecular consequence: missense variant.
Genome position (GRCh38, 1-based): chr1:10,374,949, T>C. VCF-style: chr1-10374949-T-C. GRCh37 (hg19) VCF-style: chr1-10435007-T-C.
Other names: c.5192T>C, p.Phe1731Ser (NM_001365952.1); c.5054T>C, p.Phe1685Ser (NM_015074.3); short protein forms F1685S, F1731S.
Identifiers: ClinVar variation 1745059 (VCV001745059.5), dbSNP rs1282641323, ClinGen allele CA338330735.